The following is an entry in ClinVar:

ClinVar aggregate classification (germline): Uncertain significance. Review status: criteria provided, single submitter (1 of 4 stars). 2 submissions from 2 submitters: Uncertain significance (1). 1 of the submissions does not count toward it. Last evaluated 2025-08-02.

Conditions:
Prostate cancer, hereditary, 1 (HPC1). Identifiers: Orphanet 1331, MedGen C4722327, MONDO:0011098, OMIM 601518.

Submissions (2):

Labcorp Genetics (formerly Invitae), Labcorp
Classification: Uncertain significance. Last evaluated: 2025-08-02. Review status: criteria provided, single submitter. Criteria: Invitae Variant Classification Sherloc (09022015). Collection method: clinical testing. Allele origin: germline.
Comment: This sequence change replaces arginine, which is basic and polar, with proline, which is neutral and non-polar, at codon 267 of the HOXB13 protein (p.Arg267Pro). This variant is not present in population databases (gnomAD no frequency). This variant has not been reported in the literature in individuals affected with HOXB13-related conditions. ClinVar contains an entry for this variant (Variation ID: 691211). Invitae Evidence Modeling of protein sequence and biophysical properties (such as structural, functional, and spatial information, amino acid conservation, physicochemical variation, residue mobility, and thermodynamic stability) indicates that this missense variant is expected to disrupt HOXB13 protein function with a positive predictive value of 80%. In summary, the available evidence is currently insufficient to determine the role of this variant in disease. Therefore, it has been classified as a Variant of Uncertain Significance.

Laboratory of Virology, Microbiology,  Quality and Medical Biotechnologies, Faculty of Sciences and Techniques - Mohammedia, Hassan II University of Casablanca
Classification: Uncertain significance for Prostate cancer, hereditary, 1. Review status: no assertion criteria provided. Collection method: clinical testing. Allele origin: somatic. Affected: yes. Not counted in ClinVar's aggregate classification.

NM_006361.6(HOXB13):c.800G>C (p.Arg267Pro)

Gene: HOXB13 (homeobox B13; minus strand). Cytogenetic location: 17q21.32.
Variant type: single nucleotide variant.
Coding change: c.800G>C on transcript NM_006361.6 (MANE Select); coding-DNA position 800, G replaced by C.
Protein change: p.Arg267Pro; replaces arginine 267 with proline.
Molecular consequence: missense variant.
Genome position (GRCh38, 1-based): chr17:48,726,845, C>G on the plus strand (G>C on the coding strand, the complement: HOXB13 is on the minus strand). VCF-style: chr17-48726845-C-G. GRCh37 (hg19) VCF-style: chr17-46804207-C-G.
Other names: short protein forms R267P.
Identifiers: ClinVar variation 691211 (VCV000691211.3), dbSNP rs1403127755, ClinGen allele CA400105586.